The following is an entry in ClinVar:

NM_001303052.2(MYT1L):c.1128C>T (p.Tyr376=)

Gene: MYT1L (myelin transcription factor 1 like; minus strand). Cytogenetic location: 2p25.3.
Variant type: single nucleotide variant.
Coding change: c.1128C>T on transcript NM_001303052.2 (MANE Select); coding-DNA position 1128, C replaced by T.
Protein change: p.Tyr376=; no amino-acid change (tyrosine 376 retained).
Molecular consequence: synonymous variant.
Genome position (GRCh38, 1-based): chr2:1,922,641, G>A on the plus strand (C>T on the coding strand, the complement: MYT1L is on the minus strand). VCF-style: chr2-1922641-G-A. GRCh37 (hg19) VCF-style: chr2-1926413-G-A.
Other names: c.1128C>T, p.Tyr376= (NM_001329844.2, NM_001329845.1, NM_001329846.3 and 6 more transcripts).
Identifiers: ClinVar variation 4681758 (VCV004681758.5).

ClinVar aggregate classification (germline): Likely benign (1 of 4 stars; one submission).

gnomAD v4.1: 13 of 1,613,836 alleles (0.00081%); highest among the groups gnomAD compares: African/African-American, 0.016%; no homozygotes.

Submission:

CeGaT Center for Human Genetics Tuebingen
Classification: Likely benign. Last evaluated: 2025-12-01. Review status: criteria provided, single submitter. Criteria: CeGaT Center For Human Genetics Tuebingen Variant Classification Criteria Version 2. Collection method: clinical testing. Allele origin: germline. Affected: yes. Observed: 1 variant allele.
Comment: MYT1L: BP4